The following is an entry in ClinVar:

ClinVar aggregate classification (germline): Uncertain significance. Review status: criteria provided, multiple submitters, no conflicts (2 of 4 stars). 2 submissions from 2 submitters: Uncertain significance (2). Last evaluated 2025-05-13.

Conditions:
Hereditary cancer-predisposing syndrome. Also called: Neoplastic Syndromes, Hereditary; Tumor predisposition; Hereditary neoplastic syndrome; Hereditary Cancer Syndrome. Identifiers: Orphanet 140162, MedGen C0027672, MeSH D009386, MONDO:0015356.
Carney-Stratakis syndrome. Also called: PARAGANGLIOMA AND GASTROINTESTINAL STROMAL TUMOR. Identifiers: Orphanet 97286, MedGen C1847319, MONDO:0011740, OMIM 606864.
Cowden syndrome 3 (CWS3). Identifiers: Orphanet 201, MedGen CN166604, MONDO:0014045.
Pheochromocytoma. Also called: MAX-Related Hereditary Paraganglioma-Pheochromocytoma Syndrome. Identifiers: Orphanet 29072, MedGen C0031511, MONDO:0008233, OMIM 171300, HP:0002666.
Paragangliomas with sensorineural hearing loss. Identifiers: MedGen C1868633.

gnomAD v4.1: 2 of 1,614,146 alleles (0.00012%); highest among the groups gnomAD compares: Non-Finnish European, 0.00017%; no homozygotes.

Submissions (2):

Labcorp Genetics (formerly Invitae), Labcorp
Classification: Uncertain significance for Carney-Stratakis syndrome; Paragangliomas with sensorineural hearing loss; Pheochromocytoma; Cowden syndrome 3. Last evaluated: 2025-05-13. Review status: criteria provided, single submitter. Criteria: Invitae Variant Classification Sherloc (09022015). Collection method: clinical testing. Allele origin: germline.
Comment: This sequence change replaces glycine, which is neutral and non-polar, with arginine, which is basic and polar, at codon 15 of the SDHD protein (p.Gly15Arg). This variant is present in population databases (no rsID available, gnomAD 0.002%). This variant has not been reported in the literature in individuals affected with SDHD-related conditions. ClinVar contains an entry for this variant (Variation ID: 3316916). Invitae Evidence Modeling of protein sequence and biophysical properties (such as structural, functional, and spatial information, amino acid conservation, physicochemical variation, residue mobility, and thermodynamic stability) indicates that this missense variant is not expected to disrupt SDHD protein function with a negative predictive value of 95%. In summary, the available evidence is currently insufficient to determine the role of this variant in disease. Therefore, it has been classified as a Variant of Uncertain Significance.

Ambry Genetics
Classification: Uncertain significance for Hereditary cancer-predisposing syndrome. Last evaluated: 2024-06-06. Review status: criteria provided, single submitter. Criteria: Ambry Variant Classification Scheme 2023. Collection method: clinical testing. Allele origin: germline.
Comment: The p.G15R variant (also known as c.43G>A), located in coding exon 1 of the SDHD gene, results from a G to A substitution at nucleotide position 43. The glycine at codon 15 is replaced by arginine, an amino acid with dissimilar properties. This amino acid position is highly conserved in available vertebrate species. In addition, this alteration is predicted to be deleterious by in silico analysis. Based on the available evidence, the clinical significance of this variant remains unclear.

NM_003002.4(SDHD):c.43G>A (p.Gly15Arg)

Genes: SDHD (succinate dehydrogenase complex subunit D; plus strand), LOC126861339 (BRD4-independent group 4 enhancer GRCh37_chr11:111957035-111958234; plus strand). Cytogenetic location: 11q23.1.
Variant type: single nucleotide variant.
Coding change: c.43G>A on transcript NM_003002.4 (MANE Select); coding-DNA position 43, G replaced by A.
Protein change: p.Gly15Arg; replaces glycine 15 with arginine.
Molecular consequence: missense variant. On other transcripts: non-coding transcript variant (1).
Genome position (GRCh38, 1-based): chr11:112,086,950, G>A. VCF-style: chr11-112086950-G-A. GRCh37 (hg19) VCF-style: chr11-111957674-G-A.
Other names: c.43G>A, p.Gly15Arg (NM_001276503.2, NM_001276504.2, NM_001276506.2); short protein forms G15R.
Identifiers: ClinVar variation 3316916 (VCV003316916.2).